The following is an entry in ClinVar:

NM_001953.5(TYMP):c.947dup (p.Ser317fs)

Genes: TYMP (thymidine phosphorylase; minus strand), LOC130067862 (ATAC-STARR-seq lymphoblastoid silent region 13986; plus strand). Cytogenetic location: 22q13.33.
Variant type: Duplication.
Coding change: c.947dup on transcript NM_001953.5 (MANE Select); coding-DNA position 947, one base duplicated (T; older notation c.947dupT).
Protein change: p.Ser317fs; shifts the reading frame from serine 317.
Molecular consequence: frameshift variant.
Genome position (GRCh38, 1-based): chr22:50,526,458, A duplicated on the plus strand (T on the coding strand, the reverse complement: TYMP is on the minus strand). VCF-style (leftmost placement, unchanged base first): chr22-50526457-G-GA. GRCh37 (hg19) VCF-style: chr22-50964886-G-GA.
Other names: c.947dup, p.Ser317fs (NM_001113755.3, NM_001113756.3, NM_001257988.1 and 1 more transcripts); short protein forms S317fs.
Identifiers: ClinVar variation 935260 (VCV000935260.8), dbSNP rs2069383338, ClinGen allele CA1139667175.

ClinVar aggregate classification (germline): Likely pathogenic (1 of 4 stars; one submission).

Submission:

Labcorp Genetics (formerly Invitae), Labcorp
Classification: Likely pathogenic. Last evaluated: 2019-06-14. Review status: criteria provided, single submitter. Criteria: Invitae Variant Classification Sherloc (09022015). Collection method: clinical testing. Allele origin: germline.
Comment: This variant disrupts the C-terminus of the TYMP protein. Other variants that disrupt this region (p.Leu371Pro, p.Gly387Asp, p.Ser471*, p.Gly405Argfs*?, p.Leu417Profs*?, p.Ser471Leufs*?) have been observed in affected individuals (PMID: 12529715, 15781193, 17437622, 9924029, 14720311, 21667329). This suggests that this may be a clinically significant region of the protein. This variant has not been reported in the literature in individuals with TYMP-related conditions. The frequency data for this variant in the population databases is considered unreliable, as metrics indicate insufficient coverage at this position in the ExAC database. This sequence change results in a frameshift in the TYMP gene (p.Ser317Glnfs*?). While this is not anticipated to result in nonsense mediated decay, it is expected to disrupt the last 166 amino acids of the TYMP protein and extend the protein by an additional 7 amino acids. In summary, the currently available evidence indicates that the variant is pathogenic, but additional data are needed to prove that conclusively. Therefore, this variant has been classified as Likely Pathogenic.

Literature cited by the submitters: PubMed 12529715; PubMed 15781193; PubMed 17437622; PubMed 9924029; PubMed 14720311; PubMed 21667329.